The following continues an entry in ClinVar:

NM_001370658.1(BTD):c.451G>A (p.Ala151Thr)

Gene: BTD. ClinVar aggregate classification (germline): Conflicting classifications of pathogenicity. Pathogenic (19); Uncertain significance (3).

Submissions 13 to 25 of 25:

Ambry Genetics
Classification: Pathogenic for Inborn genetic diseases. Last evaluated: 2021-09-29. Review status: criteria provided, single submitter. Criteria: Ambry Variant Classification Scheme 2023. Collection method: clinical testing. Allele origin: germline.
Comment: The c.511G>A (p.A171T) alteration is located in exon 4 (coding exon 4) of the BTD gene. This alteration results from a G to A substitution at nucleotide position 511, causing the alanine (A) at amino acid position 171 to be replaced by a threonine (T). Manual RD edits for complex allele_x000D_ _x000D_ _x000D_ The c.1330G>C (p.D444H) alteration is located in exon 4 (coding exon 4) of the BTD gene. This alteration results from a G to C substitution at nucleotide position 1330, causing the aspartic acid (D) at amino acid position 444 to be replaced by a histidine (H). The c.511G>A (p.A171T) alteration is located in exon 4 (coding exon 4) of the BTD gene. This alteration results from a G to A substitution at nucleotide position 511, causing the alanine (A) at amino acid position 171 to be replaced by a threonine (T)._x000D_ _x000D_ The [c.1330G>C (p.D444H); c.511G>A (p.A171T)] complex allele results in a profound deficiency allele with <10% of residual enzyme activity. This complex allele has been reported in patients with profound biotinidase deficiency when in trans with another profound allele or in the homozygous state (Swango, 1998; Norrgard, 1998; Mil&aacute;nkovics, 2010; Cowan, 2010)._x000D_ _x000D_ Based on the available evidence, the BTD [c.1330G>C (p.D444H); c.511G>A (p.A171T)] complex allele is classified as pathogenic. Based on the available evidence, this alteration is classified as pathogenic.

Myriad Genetics, Inc.
Classification: Pathogenic for Biotinidase deficiency. Last evaluated: 2019-12-26. Review status: criteria provided, single submitter. Criteria: Myriad Women's Health Autosomal Recessive and X-Linked Classification Criteria (2019). Collection method: clinical testing. Allele origin: unknown.
Comment: NM_000060.2(BTD):c.511G>A(A171T) is classified as pathogenic in the context of biotinidase deficiency. Please note that this variant is frequently observed in combination with D444H in the literature, which suggests they are likely to be on the same chromosome. When A171T and D444H are present on the same chromosome, this combination of variants is associated with profound biotinidase deficiency. Sources cited for classification include the following: PMID 27625817, 29995633, 28971021, 21752405 and 18845537. Classification of NM_000060.2(BTD):c.511G>A(A171T) is based on the following criteria: This is a well-established pathogenic variant in the literature that has been observed more frequently in patients with clinical diagnoses than in healthy populations. Please note: this variant was assessed in the context of healthy population screening.

Mendelics
Classification: Pathogenic for Biotinidase deficiency. Last evaluated: 2019-05-28. Review status: criteria provided, single submitter. Criteria: Mendelics Assertion Criteria 2017. Collection method: clinical testing. Allele origin: unknown.

GeneDx
Classification: Pathogenic. Last evaluated: 2018-09-13. Review status: criteria provided, single submitter. Criteria: GeneDx Variant Classification (06012015). Collection method: clinical testing. Allele origin: germline. Affected: yes.
Comment: The A171T variant has only been reported on the same allele as D444H comprising what has been described as a double mutation allele, denoted A171T;D444H. A171T;D444H has been observed in approximately 17% of alleles in children with profound biotinidase deficiency ascertained by newborn screening in the United States (Norrgard et al., 1999). The A171T variant was seen with the D444H variant at GeneDx.

Knight Diagnostic Laboratories, Oregon Health and Sciences University
Classification: Pathogenic for Biotinidase deficiency. Last evaluated: 2018-09-13. Review status: criteria provided, single submitter. Criteria: ACMG Guidelines, 2015. Collection method: clinical testing. Allele origin: germline. Observed: 1 variant allele.

Labcorp Genetics (formerly Invitae), Labcorp
Classification: Uncertain significance for Biotinidase deficiency. Last evaluated: 2018-07-05. Review status: criteria provided, single submitter. Criteria: Invitae Variant Classification Sherloc (09022015). Collection method: clinical testing. Allele origin: germline.
Comment: This sequence change replaces alanine with threonine at codon 171 of the BTD protein (p.Ala171Thr). The alanine residue is highly conserved and there is a small physicochemical difference between alanine and threonine. This variant is present in population databases (rs13073139, ExAC 0.07%). This variant has been reported in the literature in multiple individuals affected with biotinidase (BTD) deficiency co-occurring on the same chromosome with the common pathogenic p.Asp444His BTD variant (PMID: 10206677, 21752405, 9654207, 20556795, 12227467, 25174816, 20549359, 27329734, 9375914). ClinVar contains an entry for this variant (Variation ID: 25016, 38298). Algorithms developed to predict the effect of missense changes on protein structure and function do not agree on the potential impact of this missense change (SIFT: "Tolerated"; PolyPhen-2: "Probably Damaging"; Align-GVGD: "Class C0"). In summary, this variant is a rare missense change with uncertain impact on protein function. Therefore, it has been classified as a Variant of Uncertain Significance.

Illumina Laboratory Services, Illumina
Classification: Pathogenic for Biotinidase deficiency. Last evaluated: 2018-03-30. Review status: criteria provided, single submitter. Criteria: ICSL Variant Classification Criteria 09 May 2019. Collection method: clinical testing. Allele origin: germline.
Comment: Across a selection of the available literature, the BTD c.511G>A (p.Ala171Thr) variant has been found as part of a complex allele [p.Ala171Thr;p.Asp444His] in a majority of cases including 25 individuals, a majority of whom were newborns, with the variant in a compound heterozygous state, 20 with profound biotinidase deficiency, four with partial biotinidase deficiency, and one individual who did not have information on biotinidase activity (Norrgard et al. 1998; Norrgard et al. 1999; Borsatto et al. 2014; Borsatto et al. 2017). The second variant identified in the compound heterozygous individuals was most often a missense variant. The complex allele has also been reported in a homozygous state in three individuals with profound biotinidase deficiency including a father-daughter pair from a consanguineous family where one parent and two grandparents were all heterozygous carriers of the variant and were unaffected (Wolf et al. 1997). A study by Lindau-Shepart et al. (2012) also identified the p.Ala171Thr variant in at least ten patients without the p.Asp444His variant, including five with a different second variant, but in whom zygosity was not specified. In addition, since a limited number of variants were evaluated in this study, the authors suggest that a less common variant may also be present with the p.Ala171Thr variant in the five individuals with a single variant detected. The p.Ala171Thr variant was absent from 376 normal blood spots and is reported at a frequency of 0.00066 in the European (non-Finnish) population of the Exome Aggregation Consortium. Based on the collective evidence, the p.Ala171Thr variant is classified as pathogenic for biotinidase deficiency.

Fulgent Genetics
Classification: Pathogenic for Biotinidase deficiency. Last evaluated: 2017-05-18. Review status: criteria provided, single submitter. Criteria: ACMG Guidelines, 2015. Collection method: clinical testing. Allele origin: unknown.

Laboratory for Molecular Medicine, Mass General Brigham Personalized Medicine
Classification: Pathogenic for Biotinidase deficiency. Last evaluated: 2017-01-31. Review status: criteria provided, single submitter. Criteria: ACMG Guidelines, 2015. Collection method: clinical testing. Allele origin: germline. Inheritance: Autosomal recessive inheritance.
Comment: The p.Ala171Thr (NM_000060.2 c.511G>A) variant in BTD has previously been reported in several compound heterozygous individuals with biotinidase deficiency (Norrgard 1998 and Borsatto 2014). These reports identify the variant in cis with p.Asp444His (c.1330G>C), a partial deficiency allele on its own. The p.Ala171Thr variant has been identified in 0.04% (47/120,592) of chromosomes by the Exome Aggregation Consortium (ExAC; dbSNP rs13073139), which is assumed to represent the combined p.[Ala171Thr;Asp444His] allele. In summary, the p.Ala171Thr variant, when found as p.[Ala171Thr;Asp444His], meets our criteria to be classified as pathogenic for biotinidase deficiency in an autosomal recessive manner primarily based upon its occurrence in trans with other pathogenic variants in affected individuals.

Center for Pediatric Genomic Medicine, Children's Mercy Hospital and Clinics
Classification: Pathogenic. Last evaluated: 2014-08-13. Review status: criteria provided, single submitter. Criteria: ACMG Guidelines, 2015. Collection method: clinical testing. Allele origin: germline.

Clinical Genetics DNA and cytogenetics Diagnostics Lab, Erasmus MC, Erasmus Medical Center
Classification: Pathogenic. Review status: no assertion criteria provided. Collection method: clinical testing. Allele origin: germline. Affected: yes. Study: VKGL Data-share Consensus. Not counted in ClinVar's aggregate classification.

GeneReviews
No classification provided. Condition: Biotinidase deficiency. Review status: no classification provided. Collection method: literature only. Allele origin: unknown. Not counted in ClinVar's aggregate classification.

Joint Genome Diagnostic Labs from Nijmegen and Maastricht, Radboudumc and MUMC+
Classification: Pathogenic. Review status: no assertion criteria provided. Collection method: clinical testing. Allele origin: germline. Affected: yes. Study: VKGL Data-share Consensus. Not counted in ClinVar's aggregate classification.

Literature cited by the submitters: PubMed 10206677 (cited by 7 submitters); PubMed 22975760 (cited by Quest Diagnostics Nichols Institute San Juan Capistrano); PubMed 10400129 (cited by 3 submitters); PubMed 38299772 (cited by Quest Diagnostics Nichols Institute San Juan Capistrano); PubMed 39033936 (cited by Quest Diagnostics Nichols Institute San Juan Capistrano); PubMed 35805799 (cited by Quest Diagnostics Nichols Institute San Juan Capistrano); PubMed 32235217 (cited by Quest Diagnostics Nichols Institute San Juan Capistrano); PubMed 31980526 (cited by Quest Diagnostics Nichols Institute San Juan Capistrano); PubMed 30609409 (cited by Quest Diagnostics Nichols Institute San Juan Capistrano); PubMed 29995633 (cited by 3 submitters); PubMed 28498829 (cited by 5 submitters); PubMed 27625817 (cited by 3 submitters); PubMed 27657684 (cited by Quest Diagnostics Nichols Institute San Juan Capistrano); PubMed 27329734 (cited by 4 submitters); PubMed 25174816 (cited by 5 submitters); PubMed 20301497 (cited by Victorian Clinical Genetics Services, Murdoch Childrens Research Institute and GeneReviews); PubMed 28971021 (cited by 3 submitters); PubMed 10801053 (cited by Women's Health and Genetics/Laboratory Corporation of America, LabCorp); PubMed 33123633 (cited by Women's Health and Genetics/Laboratory Corporation of America, LabCorp); PubMed 31337602 (cited by Women's Health and Genetics/Laboratory Corporation of America, LabCorp); PubMed 19757147 (cited by Women's Health and Genetics/Laboratory Corporation of America, LabCorp); PubMed 9654207 (cited by Ambry Genetics and Labcorp Genetics (formerly Invitae), Labcorp); PubMed 20539236 (cited by Ambry Genetics); PubMed 20549359 (cited by Ambry Genetics and Labcorp Genetics (formerly Invitae), Labcorp); PubMed 21752405 (cited by Myriad Genetics, Inc. and Labcorp Genetics (formerly Invitae), Labcorp); PubMed 18845537 (cited by Myriad Genetics, Inc.); PubMed 9375914 (cited by 3 submitters); PubMed 20556795 (cited by Labcorp Genetics (formerly Invitae), Labcorp); PubMed 12227467 (cited by Labcorp Genetics (formerly Invitae), Labcorp); PubMed 7509806 (cited by GeneReviews); PubMed 9232193 (cited by GeneReviews); NCBI Bookshelf NBK1322 (cited by GeneReviews).